The following is an entry in ClinVar:

ClinVar aggregate classification (germline): Uncertain significance (1 of 4 stars; one submission).

gnomAD v4.1: 7 of 1,614,162 alleles (0.00043%); highest among the groups gnomAD compares: Non-Finnish European, 0.00059%; no homozygotes.

Submission:

Ambry Genetics
Classification: Uncertain significance. Last evaluated: 2025-04-12. Review status: criteria provided, single submitter. Criteria: Ambry Variant Classification Scheme 2023. Collection method: clinical testing. Allele origin: germline.
Comment: The p.Q1235L variant (also known as c.3704A>T), located in coding exon 6 of the MLH3 gene, results from an A to T substitution at nucleotide position 3704. The glutamine at codon 1235 is replaced by leucine, an amino acid with dissimilar properties. This amino acid position is conserved. In addition, the in silico prediction for this alteration is inconclusive. Based on the available evidence, the clinical significance of this variant remains unclear.

NM_001040108.2(MLH3):c.3704A>T (p.Gln1235Leu)

Gene: MLH3 (mutL homolog 3; minus strand). Cytogenetic location: 14q24.3.
Variant type: single nucleotide variant.
Coding change: c.3704A>T on transcript NM_001040108.2 (MANE Select); coding-DNA position 3704, A replaced by T.
Protein change: p.Gln1235Leu; replaces glutamine 1235 with leucine.
Molecular consequence: missense variant. On other transcripts: intron variant (1).
Genome position (GRCh38, 1-based): chr14:75,033,430, T>A on the plus strand (A>T on the coding strand, the complement: MLH3 is on the minus strand). VCF-style: chr14-75033430-T-A. GRCh37 (hg19) VCF-style: chr14-75500133-T-A.
Other names: c.3644-1251A>T (NM_014381.3); short protein forms Q1235L.
Identifiers: ClinVar variation 4055426 (VCV004055426.1).